The following is an entry in ClinVar:

ClinVar aggregate classification (germline): Uncertain significance (1 of 4 stars; one submission).

Conditions:
KIAA0825-related disorder. Also called: KIAA0825-related condition.

Submission:

PreventionGenetics, part of Exact Sciences
Classification: Uncertain significance for KIAA0825-related condition. Last evaluated: 2025-11-25. Review status: criteria provided, single submitter. Criteria: ACMG Guidelines, 2015. Collection method: clinical testing. Allele origin: germline.
Comment: The KIAA0825 c.3131G>A variant is predicted to result in the amino acid substitution p.Ser1044Asn. To our knowledge, this variant has not been reported in the literature or in a large population database (gnomAD), indicating this variant is rare. At this time, the clinical significance of this variant is uncertain due to the absence of conclusive functional and genetic evidence.

NM_001145678.3(KIAA0825):c.3131G>A (p.Ser1044Asn)

Gene: KIAA0825 (KIAA0825; minus strand). Cytogenetic location: 5q15.
Variant type: single nucleotide variant.
Coding change: c.3131G>A on transcript NM_001145678.3 (MANE Select); coding-DNA position 3131, G replaced by A.
Protein change: p.Ser1044Asn; replaces serine 1044 with asparagine.
Molecular consequence: missense variant. On other transcripts: non-coding transcript variant (1).
Genome position (GRCh38, 1-based): chr5:94,396,266, C>T on the plus strand (G>A on the coding strand, the complement: KIAA0825 is on the minus strand). VCF-style: chr5-94396266-C-T. GRCh37 (hg19) VCF-style: chr5-93731971-C-T.
Other names: c.3146G>A, p.Ser1049Asn (NM_001385712.1, NM_001385713.1, NM_001388325.1); short protein forms S1049N, S1044N.
Identifiers: ClinVar variation 4987548 (VCV004987548.1).